The following is an entry in ClinVar:

NM_001378452.1(ITPR1):c.3069C>T (p.Ser1023=)

Gene: ITPR1 (inositol 1,4,5-trisphosphate receptor type 1; plus strand). Cytogenetic location: 3p26.1.
Variant type: single nucleotide variant.
Coding change: c.3069C>T on transcript NM_001378452.1 (MANE Select); coding-DNA position 3069, C replaced by T.
Protein change: p.Ser1023=; no amino-acid change (serine 1023 retained).
Molecular consequence: synonymous variant.
Genome position (GRCh38, 1-based): chr3:4,680,654, C>T. VCF-style: chr3-4680654-C-T. GRCh37 (hg19) VCF-style: chr3-4722338-C-T.
Other names: c.3042C>T, p.Ser1014= (NM_001099952.4); c.3024C>T, p.Ser1008= (NM_001168272.2); c.2997C>T, p.Ser999= (NM_002222.7).
Identifiers: ClinVar variation 1455946 (VCV001455946.33), dbSNP rs762618794, ClinGen allele CA2231580.

ClinVar aggregate classification (germline): Likely benign. Review status: criteria provided, multiple submitters, no conflicts (2 of 4 stars). 2 submissions from 2 submitters: Likely benign (2). Last evaluated 2024-10-22.

Allele frequency attached by ClinVar (database versions not stated): gnomAD exomes 0.00001 and 0.00002; ExAC 0.00002; TOPMed 0.00004; gnomAD 0.00007 and 0.00008.
gnomAD v4.1: 21 of 1,613,478 alleles (0.0013%); highest among the groups gnomAD compares: Admixed American, 0.017%; no homozygotes.

Submissions (2):

Labcorp Genetics (formerly Invitae), Labcorp
Classification: Likely benign. Last evaluated: 2024-10-22. Review status: criteria provided, single submitter. Criteria: Invitae Variant Classification Sherloc (09022015). Collection method: clinical testing. Allele origin: germline.

CeGaT Center for Human Genetics Tuebingen
Classification: Likely benign. Last evaluated: 2022-07-01. Review status: criteria provided, single submitter. Criteria: CeGaT Center For Human Genetics Tuebingen Variant Classification Criteria Version 2. Collection method: clinical testing. Allele origin: germline. Affected: yes. Observed: 1 variant allele.
Comment: ITPR1: BP4, BP7